The following is an entry in ClinVar:

ClinVar aggregate classification (germline): Likely pathogenic (1 of 4 stars; one submission).

Conditions:
Hereditary cancer-predisposing syndrome. Also called: Hereditary Cancer Syndrome; Neoplastic Syndromes, Hereditary; Hereditary neoplastic syndrome; Tumor predisposition. Identifiers: Orphanet 140162, MedGen C0027672, MeSH D009386, MONDO:0015356.

Submission:

Ambry Genetics
Classification: Likely pathogenic for Hereditary cancer-predisposing syndrome. Last evaluated: 2018-05-07. Review status: criteria provided, single submitter. Criteria: Ambry Variant Classification Scheme 2023. Collection method: clinical testing. Allele origin: germline.
Comment: The p.A1151D variant (also known as c.3452C>A), located in coding exon 6 of the MSH6 gene, results from a C to A substitution at nucleotide position 3452. The alanine at codon 1151 is replaced by aspartic acid, an amino acid with dissimilar properties. This alteration was identified as somatic in one individual and in the germline of another individual who had a family history of colorectal cancer. Both individuals had endometrial tumors that displayed isolated loss of MSH6 staining on immunohistochemistry (IHC) (Ambry internal data). Based on internal structural analysis, this variant is more disruptive than known pathogenic variants (Warren JJ et al. Mol. Cell, 2007 May;26:579-92). This variant was not reported in population-based cohorts in the Genome Aggregation Database (gnomAD) (Lek M et al. Nature, 2016 08;536:285-91). This amino acid position is not well conserved in available vertebrate species. In addition, this alteration is predicted to be deleterious by in silico analysis. In addition, the CoDP in silico tool predicts this alteration to likely impair molecular function, with a score of 0.966 (Terui H et al. J. Biomed. Sci. 2013 Apr;20:25). Based on the majority of available evidence to date, this variant is likely to be pathogenic.

Literature cited by the submitters: PubMed 17531815.

NM_000179.3(MSH6):c.3452C>A (p.Ala1151Asp)

Gene: MSH6 (mutS homolog 6; plus strand). Cytogenetic location: 2p16.3.
Variant type: single nucleotide variant.
Coding change: c.3452C>A on transcript NM_000179.3 (MANE Select); coding-DNA position 3452, C replaced by A.
Protein change: p.Ala1151Asp; replaces alanine 1151 with aspartic acid.
Molecular consequence: missense variant.
Genome position (GRCh38, 1-based): chr2:47,804,923, C>A. VCF-style: chr2-47804923-C-A. GRCh37 (hg19) VCF-style: chr2-48032062-C-A.
Other names: c.3062C>A, p.Ala1021Asp (NM_001281492.2); c.2546C>A, p.Ala849Asp (NM_001281493.2, NM_001281494.2); short protein forms A1151D, A1021D, A849D.
Identifiers: ClinVar variation 428288 (VCV000428288.5), dbSNP rs587782625, ClinGen allele CA346759989.